The following is an entry in ClinVar:

ClinVar aggregate classification (germline): Uncertain significance (1 of 4 stars; one submission).

gnomAD v4.1: 5 of 1,613,896 alleles (0.00031%); highest among the groups gnomAD compares: Admixed American, 0.0083%; no homozygotes.

Submission:

Ambry Genetics
Classification: Uncertain significance. Last evaluated: 2025-01-14. Review status: criteria provided, single submitter. Criteria: Ambry Variant Classification Scheme 2023. Collection method: clinical testing. Allele origin: germline.
Comment: The p.H49L variant (also known as c.146A>T), located in coding exon 1 of the CDK12 gene, results from an A to T substitution at nucleotide position 146. The histidine at codon 49 is replaced by leucine, an amino acid with similar properties. This amino acid position is conserved. In addition, the in silico prediction for this alteration is inconclusive. Based on the available evidence, the clinical significance of this variant remains unclear.

NM_016507.4(CDK12):c.146A>T (p.His49Leu)

Genes: CDK12 (cyclin dependent kinase 12; plus strand), LOC126862553 (CDK7 strongly-dependent group 2 enhancer GRCh37_chr17:37618166-37619365; plus strand). Cytogenetic location: 17q12.
Variant type: single nucleotide variant.
Coding change: c.146A>T on transcript NM_016507.4 (MANE Select); coding-DNA position 146, A replaced by T.
Protein change: p.His49Leu; replaces histidine 49 with leucine.
Molecular consequence: missense variant.
Genome position (GRCh38, 1-based): chr17:39,462,217, A>T. VCF-style: chr17-39462217-A-T. GRCh37 (hg19) VCF-style: chr17-37618470-A-T.
Other names: c.146A>T, p.His49Leu (NM_015083.4); short protein forms H49L.
Identifiers: ClinVar variation 3830508 (VCV003830508.1).